The following is an entry in ClinVar:

ClinVar aggregate classification (germline): Uncertain significance. Review status: criteria provided, multiple submitters, no conflicts (2 of 4 stars). 3 submissions from 3 submitters: Uncertain significance (3). Last evaluated 2024-10-15.

Conditions:
Donnai-Barrow syndrome. Also called: DBS/FOAR SYNDROME; FACIOOCULOACOUSTICORENAL SYNDROME. Identifiers: Orphanet 2143, MedGen C1857277, MONDO:0009104, OMIM 222448.

Allele frequency attached by ClinVar (database versions not stated): ExAC 0.00002; gnomAD exomes 0.00002; gnomAD 0.00003; TOPMed 0.00003.
gnomAD v4.1: 38 of 1,613,970 alleles (0.0024%); highest among the groups gnomAD compares: Middle Eastern, 0.016%; no homozygotes.

Submissions (3):

Blueprint Genetics
Classification: Uncertain significance. Last evaluated: 2024-10-15. Review status: criteria provided, single submitter. Criteria: ACMG Guidelines, 2015. Collection method: clinical testing. Allele origin: germline.

Fulgent Genetics
Classification: Uncertain significance for Donnai-Barrow syndrome. Last evaluated: 2022-03-08. Review status: criteria provided, single submitter. Criteria: ACMG Guidelines, 2015. Collection method: clinical testing. Allele origin: unknown.

Labcorp Genetics (formerly Invitae), Labcorp
Classification: Uncertain significance. Last evaluated: 2021-08-31. Review status: criteria provided, single submitter. Criteria: Invitae Variant Classification Sherloc (09022015). Collection method: clinical testing. Allele origin: germline.
Comment: This sequence change replaces threonine with methionine at codon 3074 of the LRP2 protein (p.Thr3074Met). The threonine residue is highly conserved and there is a moderate physicochemical difference between threonine and methionine. This variant is present in population databases (rs755568696, ExAC 0.004%). This variant has not been reported in the literature in individuals affected with LRP2-related conditions. Advanced modeling of protein sequence and biophysical properties (such as structural, functional, and spatial information, amino acid conservation, physicochemical variation, residue mobility, and thermodynamic stability) performed at Invitae indicates that this missense variant is expected to disrupt LRP2 protein function. In summary, the available evidence is currently insufficient to determine the role of this variant in disease. Therefore, it has been classified as a Variant of Uncertain Significance.

NM_004525.3(LRP2):c.9221C>T (p.Thr3074Met)

Gene: LRP2 (LDL receptor related protein 2; minus strand). Cytogenetic location: 2q31.1.
Variant type: single nucleotide variant.
Coding change: c.9221C>T on transcript NM_004525.3 (MANE Select); coding-DNA position 9221, C replaced by T.
Protein change: p.Thr3074Met; replaces threonine 3074 with methionine.
Molecular consequence: missense variant.
Genome position (GRCh38, 1-based): chr2:169,188,077, G>A on the plus strand (C>T on the coding strand, the complement: LRP2 is on the minus strand). VCF-style: chr2-169188077-G-A. GRCh37 (hg19) VCF-style: chr2-170044587-G-A.
Other names: short protein forms T3074M.
Identifiers: ClinVar variation 1427136 (VCV001427136.7), dbSNP rs755568696, ClinGen allele CA1953640.